The following is an entry in ClinVar:

NM_201378.4(PLEC):c.71-3737C>T

Genes: PLEC (plectin; minus strand), LOC130001342 (ATAC-STARR-seq lymphoblastoid silent region 19633; plus strand). Cytogenetic location: 8q24.3.
Variant type: single nucleotide variant.
Coding change: c.71-3737C>T on transcript NM_201378.4 (MANE Plus Clinical); 3737 bases into the intron before coding-DNA position 71, C replaced by T.
Molecular consequence: intron variant. On other transcripts: synonymous variant (1).
Genome position (GRCh38, 1-based): chr8:143,942,429, G>A on the plus strand (C>T on the coding strand, the complement: PLEC is on the minus strand). VCF-style: chr8-143942429-G-A. GRCh37 (hg19) VCF-style: chr8-145016597-G-A.
Other names: c.87C>T, p.Ala29= (NM_201383.3); c.194-3737C>T (NM_001410941.1, NM_000445.5); c.47-3737C>T (NM_201379.3); c.524-3737C>T (NM_201380.4); c.16+2219C>T (NM_201381.3); c.112+1350C>T (NM_201382.4).
Identifiers: ClinVar variation 3041428 (VCV003041428.2), dbSNP rs2539583750, ClinGen allele CA2579351889.

ClinVar aggregate classification (germline): Likely benign (0 of 4 stars; one submission).

Conditions:
PLEC-related disorder. Also called: PLEC-related disorders; PLEC-related condition.

Submission:

PreventionGenetics, part of Exact Sciences
Classification: Likely benign for PLEC-related condition. Last evaluated: 2019-11-27. Review status: no assertion criteria provided. Collection method: clinical testing. Allele origin: germline.
Comment: This variant is classified as likely benign based on ACMG/AMP sequence variant interpretation guidelines (Richards et al. 2015 PMID: 25741868, with internal and published modifications).